The following is an entry in ClinVar:

ClinVar aggregate classification (germline): Uncertain significance (1 of 4 stars; one submission).

Conditions:
Hereditary cancer-predisposing syndrome. Also called: Neoplastic Syndromes, Hereditary; Tumor predisposition; Hereditary Cancer Syndrome; Hereditary neoplastic syndrome. Identifiers: Orphanet 140162, MedGen C0027672, MeSH D009386, MONDO:0015356.

Submission:

Ambry Genetics
Classification: Uncertain significance for Hereditary cancer-predisposing syndrome. Last evaluated: 2022-10-22. Review status: criteria provided, single submitter. Criteria: Ambry Variant Classification Scheme 2023. Collection method: clinical testing. Allele origin: germline.
Comment: The p.M723V variant (also known as c.2167A>G), located in coding exon 14 of the CTNNA1 gene, results from an A to G substitution at nucleotide position 2167. The methionine at codon 723 is replaced by valine, an amino acid with highly similar properties. This amino acid position is conserved. In addition, this alteration is predicted to be deleterious by in silico analysis. Since supporting evidence is limited at this time, the clinical significance of this alteration remains unclear.

NM_001903.5(CTNNA1):c.2167A>G (p.Met723Val)

Gene: CTNNA1 (catenin alpha 1; plus strand). Cytogenetic location: 5q31.2.
Variant type: single nucleotide variant.
Coding change: c.2167A>G on transcript NM_001903.5 (MANE Select); coding-DNA position 2167, A replaced by G.
Protein change: p.Met723Val; replaces methionine 723 with valine.
Molecular consequence: missense variant.
Genome position (GRCh38, 1-based): chr5:138,930,629, A>G. VCF-style: chr5-138930629-A-G. GRCh37 (hg19) VCF-style: chr5-138266318-A-G.
Other names: c.2167A>G, p.Met723Val (NM_001290307.3, NM_001323982.2, NM_001323983.1 and 2 more transcripts); c.1858A>G, p.Met620Val (NM_001290309.3); c.1798A>G, p.Met600Val (NM_001290310.3); c.1057A>G, p.Met353Val (NM_001290312.1, NM_001323987.1, NM_001323988.1 and 17 more transcripts); c.2074A>G, p.Met692Val (NM_001323986.2); c.718A>G, p.Met240Val (NM_001324006.1, NM_001324007.1, NM_001324008.1 and 2 more transcripts); c.964A>G, p.Met322Val (NM_001324011.1); c.814A>G, p.Met272Val (NM_001324012.1, NM_001324013.1); short protein forms M322V, M620V, M272V, M353V, M600V, M723V, M240V, M692V.
Identifiers: ClinVar variation 1787000 (VCV001787000.2), dbSNP rs2533851201, ClinGen allele CA361133667.